The following is an entry in ClinVar:

NM_000141.5(FGFR2):c.43A>G (p.Met15Val)

Gene: FGFR2 (fibroblast growth factor receptor 2; minus strand). Cytogenetic location: 10q26.13.
Variant type: single nucleotide variant.
Coding change: c.43A>G on transcript NM_000141.5 (MANE Select); coding-DNA position 43, A replaced by G.
Protein change: p.Met15Val; replaces methionine 15 with valine.
Molecular consequence: missense variant. On other transcripts: non-coding transcript variant (1).
Genome position (GRCh38, 1-based): chr10:121,593,775, T>C on the plus strand (A>G on the coding strand, the complement: FGFR2 is on the minus strand). VCF-style: chr10-121593775-T-C. GRCh37 (hg19) VCF-style: chr10-123353289-T-C.
Other names: c.43A>G, p.Met15Val (NM_001144913.1, NM_001144914.1, NM_001144915.2 and 7 more transcripts); short protein forms M15V.
Identifiers: ClinVar variation 2986411 (VCV002986411.4), dbSNP rs1451094453, ClinGen allele CA378328111.

ClinVar aggregate classification (germline): Uncertain significance. Review status: criteria provided, multiple submitters, no conflicts (2 of 4 stars). 2 submissions from 2 submitters: Uncertain significance (2). Last evaluated 2024-12-19.

Conditions:
FGFR2-related craniosynostosis. Identifiers: MedGen CN231480.
Pfeiffer syndrome (ACS5). Also called: ACS V. Identifiers: Orphanet 710, MedGen C0220658, MONDO:0007043, OMIM 101600.

Submissions (2):

Genomic Medicine Center of Excellence, King Faisal Specialist Hospital and Research Centre
Classification: Uncertain significance for Pfeiffer syndrome. Last evaluated: 2024-12-19. Review status: criteria provided, single submitter. Criteria: ACMG Guidelines, 2015. Collection method: clinical testing. Allele origin: germline.

Labcorp Genetics (formerly Invitae), Labcorp
Classification: Uncertain significance for FGFR2-related craniosynostosis. Last evaluated: 2023-06-16. Review status: criteria provided, single submitter. Criteria: Invitae Variant Classification Sherloc (09022015). Collection method: clinical testing. Allele origin: germline.
Comment: Advanced modeling of protein sequence and biophysical properties (such as structural, functional, and spatial information, amino acid conservation, physicochemical variation, residue mobility, and thermodynamic stability) has been performed at Invitae for this missense variant, however the output from this modeling did not meet the statistical confidence thresholds required to predict the impact of this variant on FGFR2 protein function. This sequence change replaces methionine, which is neutral and non-polar, with valine, which is neutral and non-polar, at codon 15 of the FGFR2 protein (p.Met15Val). This variant is not present in population databases (gnomAD no frequency). This variant has not been reported in the literature in individuals affected with FGFR2-related conditions. In summary, the available evidence is currently insufficient to determine the role of this variant in disease. Therefore, it has been classified as a Variant of Uncertain Significance.